The following is an entry in ClinVar:

NM_144997.7(FLCN):c.83C>G (p.Pro28Arg)

Gene: FLCN (folliculin; minus strand). Cytogenetic location: 17p11.2.
Variant type: single nucleotide variant.
Coding change: c.83C>G on transcript NM_144997.7 (MANE Select); coding-DNA position 83, C replaced by G.
Protein change: p.Pro28Arg; replaces proline 28 with arginine.
Molecular consequence: missense variant.
Genome position (GRCh38, 1-based): chr17:17,228,055, G>C on the plus strand (C>G on the coding strand, the complement: FLCN is on the minus strand). VCF-style: chr17-17228055-G-C. GRCh37 (hg19) VCF-style: chr17-17131369-G-C.
Other names: c.83C>G (LRG_325t1, NM_144997.6); c.83C>G, p.Pro28Arg (NM_001353229.2, NM_001353230.2, NM_001353231.2 and 1 more transcripts); short protein forms P28R.
Identifiers: ClinVar variation 409406 (VCV000409406.18), dbSNP rs780588085, ClinGen allele CA8416521.
Genomic context (GRCh38, chr17:17,228,055, plus strand): 5'-TCTTCTTCCGCCTGCTCACCCTGGCCAGGACTGTCCTCATTCCCATCCCCTTGAGGAAGT[G>C]GGGCGTGCAGCACCTCCGTGCAGAAGAGAGTGCGGGGGCCGTGGAGCTCGCAGAAGTGGC-3'
Protein context (NP_659434.2, residues 18-38): TLFCTEVLHA[Pro28Arg]LPQGDGNEDS

ClinVar aggregate classification (germline): Benign/Likely benign. Review status: criteria provided, multiple submitters, no conflicts (2 of 4 stars). 4 submissions from 4 submitters: Benign (2); Likely benign (2). Last evaluated 2026-01-04.

Conditions:
Hereditary cancer-predisposing syndrome. Also called: Hereditary neoplastic syndrome; Neoplastic Syndromes, Hereditary; Tumor predisposition; Hereditary Cancer Syndrome. Identifiers: Orphanet 140162, MedGen C0027672, MeSH D009386, MONDO:0015356.
Birt-Hogg-Dube syndrome 1 (BHD1). Also called: FIBROFOLLICULOMAS WITH TRICHODISCOMAS AND ACROCHORDONS. Identifiers: Orphanet 122, MedGen CN375946, MONDO:0800445, OMIM 135150.
Birt-Hogg-Dube syndrome. Also called: Birt Hogg Dubé syndrome. Identifiers: Orphanet 122, MedGen C0346010, MONDO:0800444.

Allele frequency attached by ClinVar (database versions not stated): gnomAD 0.00001 and 0.00002; TOPMed 0.00004; gnomAD exomes 0.00009; ExAC 0.00011.

Submissions (4):

Labcorp Genetics (formerly Invitae), Labcorp
Classification: Likely benign for Birt-Hogg-Dube syndrome. Last evaluated: 2026-01-04. Review status: criteria provided, single submitter. Criteria: Invitae Variant Classification Sherloc (09022015). Collection method: clinical testing. Allele origin: germline.

Myriad Genetics, Inc.
Classification: Likely benign for Birt-Hogg-Dube syndrome 1. Last evaluated: 2024-08-27. Review status: criteria provided, single submitter. Criteria: Myriad Autosomal Dominant, Autosomal Recessive and X-Linked Classification Criteria (2023). Collection method: clinical testing. Allele origin: unknown.
Comment: This variant is considered likely benign. This variant has been observed at a population frequency that is significantly greater than expected given the associated disease prevalence and penetrance.

Ambry Genetics
Classification: Benign for Hereditary cancer-predisposing syndrome. Last evaluated: 2023-09-02. Review status: criteria provided, single submitter. Criteria: Ambry Variant Classification Scheme 2023. Collection method: clinical testing. Allele origin: germline.

Quest Diagnostics Nichols Institute San Juan Capistrano
Classification: Benign. Last evaluated: 2022-05-03. Review status: criteria provided, single submitter. Criteria: Quest Diagnostics criteria. Collection method: clinical testing. Allele origin: unknown.